The following is an entry in ClinVar:

NM_000292.3(PHKA2):c.2971G>A (p.Gly991Arg)

Gene: PHKA2 (phosphorylase kinase regulatory subunit alpha 2; minus strand). Cytogenetic location: Xp22.13.
Variant type: single nucleotide variant.
Coding change: c.2971G>A on transcript NM_000292.3 (MANE Select); coding-DNA position 2971, G replaced by A.
Protein change: p.Gly991Arg; replaces glycine 991 with arginine.
Molecular consequence: missense variant.
Genome position (GRCh38, 1-based): chrX:18,901,541, C>T on the plus strand (G>A on the coding strand, the complement: PHKA2 is on the minus strand). VCF-style: chrX-18901541-C-T. GRCh37 (hg19) VCF-style: chrX-18919659-C-T.
Other names: short protein forms G991R.
Identifiers: ClinVar variation 654000 (VCV000654000.12), dbSNP rs750628677, ClinGen allele CA10361489.

ClinVar aggregate classification (germline): Conflicting classifications of pathogenicity. Review status: criteria provided, conflicting classifications (1 of 4 stars). 3 submissions from 3 submitters: Likely pathogenic (1); Uncertain significance (1); Likely benign (1). Last evaluated 2025-12-24.

Conditions:
Inborn genetic diseases. Identifiers: MedGen C0950123, MeSH D030342.
Glycogen storage disease IXa1. Also called: LIVER GLYCOGENOSIS, X-LINKED, TYPE I; GLYCOGEN STORAGE DISEASE VIII; GSD VIII; Glycogen storage disease 8. Identifiers: Orphanet 264580, MedGen C3694531, MONDO:0010598, OMIM 306000.

Allele frequency attached by ClinVar (database versions not stated): gnomAD 0.00004; gnomAD exomes 0.00005 and 0.00007; TOPMed 0.00005; ExAC 0.00007.
gnomAD v4.1: 55 of 1,203,809 alleles (0.0046%); highest among the groups gnomAD compares: South Asian, 0.028%; no homozygotes.

Submissions (3):

Labcorp Genetics (formerly Invitae), Labcorp
Classification: Uncertain significance for Glycogen storage disease IXa1. Last evaluated: 2025-12-24. Review status: criteria provided, single submitter. Criteria: Invitae Variant Classification Sherloc (09022015). Collection method: clinical testing. Allele origin: germline.
Comment: This sequence change replaces glycine, which is neutral and non-polar, with arginine, which is basic and polar, at codon 991 of the PHKA2 protein (p.Gly991Arg). This variant is present in population databases (rs750628677, gnomAD 0.04%), and has an allele count higher than expected for a pathogenic variant. This missense change has been observed in individual(s) with clinical features of glycogen storage disease (PMID: 38619706). ClinVar contains an entry for this variant (Variation ID: 654000). Invitae Evidence Modeling of protein sequence and biophysical properties (such as structural, functional, and spatial information, amino acid conservation, physicochemical variation, residue mobility, and thermodynamic stability) indicates that this missense variant is not expected to disrupt PHKA2 protein function with a negative predictive value of 80%. In summary, the available evidence is currently insufficient to determine the role of this variant in disease. Therefore, it has been classified as a Variant of Uncertain Significance.

Genomic Research Center, Shahid Beheshti University of Medical Sciences
Classification: Likely pathogenic for Glycogen storage disease IXa1. Last evaluated: 2023-11-26. Review status: criteria provided, single submitter. Criteria: ACMG Guidelines, 2015. Collection method: clinical testing. Allele origin: inherited. Affected: yes. Observed: 1 hemizygote.

Ambry Genetics
Classification: Likely benign for Inborn genetic diseases. Last evaluated: 2023-08-08. Review status: criteria provided, single submitter. Criteria: Ambry Variant Classification Scheme 2023. Collection method: clinical testing. Allele origin: germline.

Literature cited by the submitters: PubMed 38619706 (cited by Labcorp Genetics (formerly Invitae), Labcorp).